The following is an entry in ClinVar:

NM_016562.4(TLR7):c.1888C>T (p.His630Tyr)

Gene: TLR7 (toll like receptor 7; plus strand). Cytogenetic location: Xp22.2.
Variant type: single nucleotide variant.
Coding change: c.1888C>T on transcript NM_016562.4 (MANE Select); coding-DNA position 1888, C replaced by T.
Protein change: p.His630Tyr; replaces histidine 630 with tyrosine.
Molecular consequence: missense variant.
Genome position (GRCh38, 1-based): chrX:12,887,396, C>T. VCF-style: chrX-12887396-C-T. GRCh37 (hg19) VCF-style: chrX-12905515-C-T.
Other names: short protein forms H630Y.
Identifiers: ClinVar variation 4762439 (VCV004762439.1).

ClinVar aggregate classification (germline): Uncertain significance (1 of 4 stars; one submission).

Submission:

Labcorp Genetics (formerly Invitae), Labcorp
Classification: Uncertain significance. Last evaluated: 2025-12-08. Review status: criteria provided, single submitter. Criteria: Invitae Variant Classification Sherloc (09022015). Collection method: clinical testing. Allele origin: germline.
Comment: This sequence change replaces histidine, which is basic and polar, with tyrosine, which is neutral and polar, at codon 630 of the TLR7 protein (p.His630Tyr). This variant is not present in population databases (gnomAD no frequency). This missense change has been observed in individual(s) with clinical features of TLR7-related conditions (PMID: 34413140). An algorithm developed to predict the effect of missense changes on protein structure and function (PolyPhen-2) suggests that this variant is likely to be tolerated. Experimental studies are conflicting or provide insufficient evidence to determine the effect of this variant on TLR7 function (PMID: 34413140). In summary, the available evidence is currently insufficient to determine the role of this variant in disease. Therefore, it has been classified as a Variant of Uncertain Significance.

Literature cited by the submitters: PubMed 34413140.